The following is an entry in ClinVar:

ClinVar aggregate classification (germline): Uncertain significance (1 of 4 stars; one submission).

Conditions:
Hereditary sensory and autonomic neuropathy type 6. Also called: Neuropathy, hereditary sensory and autonomic, type VI; HSAN VI. Identifiers: Orphanet 314381, MedGen C3539003, MONDO:0013839, OMIM 614653.
Epidermolysis bullosa simplex 3, localized or generalized intermediate, with BP230 deficiency (EBS3). Also called: Epidermolysis bullosa simplex, autosomal recessive 2; Epidermolysis bullosa simplex due to BP230 deficiency. Identifiers: Orphanet 412181, MedGen C3809470, MONDO:0014180, OMIM 615425.

Allele frequency attached by ClinVar (database versions not stated): gnomAD exomes below 0.00001; ExAC 0.00001.
gnomAD v4.1: 1 of 1,613,844 alleles (0.000062%); highest among the groups gnomAD compares: Non-Finnish European, 0.000085%; no homozygotes.

Submission:

Labcorp Genetics (formerly Invitae), Labcorp
Classification: Uncertain significance for Epidermolysis bullosa simplex 3, localized or generalized intermediate, with BP230 deficiency; Hereditary sensory and autonomic neuropathy type 6. Last evaluated: 2021-12-24. Review status: criteria provided, single submitter. Criteria: Invitae Variant Classification Sherloc (09022015). Collection method: clinical testing. Allele origin: germline.
Comment: The DST gene has multiple clinically relevant transcripts. This variant occurs in alternate transcript NM_015548.4, and corresponds to NM_001723.5:c.*130078C>G in the primary transcript. This sequence change replaces serine, which is neutral and polar, with cysteine, which is neutral and slightly polar, at codon 4404 of the DST protein (p.Ser4404Cys). This variant is present in population databases (rs752899608, gnomAD 0.0009%). This variant has not been reported in the literature in individuals affected with DST-related conditions. Experimental studies and prediction algorithms are not available or were not evaluated, and the functional significance of this variant is currently unknown. In summary, the available evidence is currently insufficient to determine the role of this variant in disease. Therefore, it has been classified as a Variant of Uncertain Significance.

NM_001374736.1(DST):c.21080C>G (p.Ser7027Cys)

Gene: DST (dystonin; minus strand). Cytogenetic location: 6p12.1.
Variant type: single nucleotide variant.
Coding change: c.21080C>G on transcript NM_001374736.1 (MANE Select); coding-DNA position 21080, C replaced by G.
Protein change: p.Ser7027Cys; replaces serine 7027 with cysteine.
Molecular consequence: missense variant.
Genome position (GRCh38, 1-based): chr6:56,485,439, G>C on the plus strand (C>G on the coding strand, the complement: DST is on the minus strand). VCF-style: chr6-56485439-G-C. GRCh37 (hg19) VCF-style: chr6-56350237-G-C.
Other names: c.14723C>G, p.Ser4908Cys (NM_001144769.5); c.14309C>G, p.Ser4770Cys (NM_001144770.2); c.21080C>G, p.Ser7027Cys (NM_001374722.1); c.20120C>G, p.Ser6707Cys (NM_001374729.1); c.13862C>G, p.Ser4621Cys (NM_001374730.1); c.21107C>G, p.Ser7036Cys (NM_001374734.1); c.14189C>G, p.Ser4730Cys (NM_001386100.1, NM_183380.4); c.13211C>G, p.Ser4404Cys (NM_015548.5); short protein forms S4404C, S4730C, S4770C, S4621C, S4908C, S7036C, S6707C, S7027C.
Identifiers: ClinVar variation 2057047 (VCV002057047.4), dbSNP rs752899608, ClinGen allele CA3866585.
Genomic context (GRCh38, chr6:56,485,439, plus strand): 5'-TGGGGTTCAACTCTATATAACCAATCAATGAGAGCCTGTAGGGCATCTGTGAATTGTCCA[G>C]AAAATAACAGGGCTTCCTCCAATTTGTTTTGTCTAGGGAAAAAGGTAGAAAAATTGATCC-3'
Protein context (NP_001361665.1, residues 7017-7037): QNKLEEALLF[Ser7027Cys]GQFTDALQAL